The following is an entry in ClinVar:

ClinVar aggregate classification (germline): Conflicting classifications of pathogenicity. Review status: criteria provided, conflicting classifications (1 of 4 stars). 3 submissions from 3 submitters: Uncertain significance (1); Likely benign (2). Last evaluated 2026-01-16.

Conditions:
Joubert syndrome 8 (JBTS8). Identifiers: Orphanet 475, MedGen C2676771, MONDO:0012855, OMIM 612291.

Allele frequency attached by ClinVar (database versions not stated): gnomAD 0.00001 and 0.00011; TOPMed 0.00002; 1000 Genomes Project 30x 0.00031; ExAC 0.00036; 1000 Genomes Project 0.00040.
gnomAD v4.1: 231 of 1,612,562 alleles (0.014%); highest among the groups gnomAD compares: South Asian, 0.23%; 2 homozygotes.

Submissions (3):

Labcorp Genetics (formerly Invitae), Labcorp
Classification: Likely benign for Joubert syndrome 8. Last evaluated: 2026-01-16. Review status: criteria provided, single submitter. Criteria: Invitae Variant Classification Sherloc (09022015). Collection method: clinical testing. Allele origin: germline.

Blueprint Genetics
Classification: Likely benign. Last evaluated: 2024-09-06. Review status: criteria provided, single submitter. Criteria: ACMG Guidelines, 2015. Collection method: clinical testing. Allele origin: germline.

GeneDx
Classification: Uncertain significance. Last evaluated: 2019-07-01. Review status: criteria provided, single submitter. Criteria: GeneDx Variant Classification Process June 2021. Collection method: clinical testing. Allele origin: germline. Affected: yes.
Comment: In silico analysis, which includes protein predictors and evolutionary conservation, supports a deleterious effect; Has not been previously published as pathogenic or benign to our knowledge

NM_001174150.2(ARL13B):c.5T>G (p.Phe2Cys)

Gene: ARL13B (ARF like GTPase 13B; plus strand). Cytogenetic location: 3q11.1.
Variant type: single nucleotide variant.
Coding change: c.5T>G on transcript NM_001174150.2 (MANE Select); coding-DNA position 5, T replaced by G.
Protein change: p.Phe2Cys; replaces phenylalanine 2 with cysteine.
Molecular consequence: missense variant. On other transcripts: 5 prime UTR variant (2), non-coding transcript variant (2).
Genome position (GRCh38, 1-based): chr3:93,980,428, T>G. VCF-style: chr3-93980428-T-G. GRCh37 (hg19) VCF-style: chr3-93699272-T-G.
Other names: c.-234T>G (NM_001174151.2); c.-163T>G (NM_001321328.2); c.5T>G, p.Phe2Cys (NM_144996.4, NM_182896.3); short protein forms F2C.
Identifiers: ClinVar variation 1139931 (VCV001139931.10), dbSNP rs555792435, ClinGen allele CA2503717.